The following is an entry in ClinVar:

ClinVar aggregate classification (germline): Conflicting classifications of pathogenicity. Review status: criteria provided, conflicting classifications (1 of 4 stars). 5 submissions from 5 submitters: Uncertain significance (4); Likely benign (1). Last evaluated 2024-07-30.

Conditions:
Acrocallosal syndrome (ACLS). Also called: Schinzel syndrome 1; Absence of corpus callosum with unusual facial appearance, mental deficiency, duplication of the halluces and polydactyly; HALLUX DUPLICATION, POSTAXIAL POLYDACTYLY, AND ABSENCE OF CORPUS CALLOSUM. Identifiers: Orphanet 36, MedGen C0796147, MONDO:0008708, OMIM 200990.
Multiple epiphyseal dysplasia, Al-Gazali type. Also called: Macrocephaly with multiple epiphyseal dysplasia and distinctive facies. Identifiers: Orphanet 166024, MedGen C1846722, MONDO:0011778, OMIM 607131.
Hydrolethalus syndrome 2 (HLS2). Identifiers: Orphanet 2189, MedGen C3279899, MONDO:0013585, OMIM 614120.

Allele frequency attached by ClinVar (database versions not stated): gnomAD exomes 0.00005 and 0.00011; ExAC 0.00009; gnomAD 0.00040 and 0.00043; TOPMed 0.00051.
gnomAD v4.1: 124 of 1,511,080 alleles (0.0082%); highest among the groups gnomAD compares: African/African-American, 0.15%; no homozygotes.

Submissions (5):

GeneDx
Classification: Uncertain significance. Last evaluated: 2024-07-30. Review status: criteria provided, single submitter. Criteria: GeneDx Variant Classification Process June 2021. Collection method: clinical testing. Allele origin: germline. Affected: yes.
Comment: In silico analysis supports that this variant does not alter splicing; Has not been previously published as pathogenic or benign to our knowledge

Fulgent Genetics
Classification: Uncertain significance for Acrocallosal syndrome; Multiple epiphyseal dysplasia, Al-Gazali type; Hydrolethalus syndrome 2. Last evaluated: 2024-04-25. Review status: criteria provided, single submitter. Criteria: ACMG Guidelines, 2015. Collection method: clinical testing. Allele origin: germline.

Blueprint Genetics
Classification: Likely benign. Last evaluated: 2024-04-16. Review status: criteria provided, single submitter. Criteria: ACMG Guidelines, 2015. Collection method: clinical testing. Allele origin: germline.

Genetic Services Laboratory, University of Chicago
Classification: Uncertain significance. Last evaluated: 2024-03-18. Review status: criteria provided, single submitter. Criteria: ACMG Guidelines, 2015. Collection method: clinical testing. Allele origin: germline. Affected: no.
Comment: DNA sequence analysis of the KIF7 gene demonstrated a sequence change in intron 5, c.1443+5C>T. This change does not appear to have been previously described in individuals with KIF7-related disorders. This sequence change has been described in the gnomAD database with a frequency of 0.16% in the African/African American subpopulation and 0.02% in the overall population (dbSNP rs778312422). In-silico splice prediction programs provide inconclusive results for this sequence change. The functional significance of this sequence change is not known at present.

Labcorp Genetics (formerly Invitae), Labcorp
Classification: Uncertain significance for Acrocallosal syndrome. Last evaluated: 2022-11-01. Review status: criteria provided, single submitter. Criteria: Invitae Variant Classification Sherloc (09022015). Collection method: clinical testing. Allele origin: germline.
Comment: This sequence change falls in intron 5 of the KIF7 gene. It does not directly change the encoded amino acid sequence of the KIF7 protein. It affects a nucleotide within the consensus splice site. This variant is present in population databases (rs778312422, gnomAD 0.2%). This variant has not been reported in the literature in individuals affected with KIF7-related conditions. ClinVar contains an entry for this variant (Variation ID: 1385511). Variants that disrupt the consensus splice site are a relatively common cause of aberrant splicing (PMID: 17576681, 9536098). Algorithms developed to predict the effect of sequence changes on RNA splicing suggest that this variant is not likely to affect RNA splicing. In summary, the available evidence is currently insufficient to determine the role of this variant in disease. Therefore, it has been classified as a Variant of Uncertain Significance.

Literature cited by the submitters: PubMed 17576681 (cited by Labcorp Genetics (formerly Invitae), Labcorp); PubMed 9536098 (cited by Labcorp Genetics (formerly Invitae), Labcorp).

NM_198525.3(KIF7):c.1443+5C>T

Gene: KIF7 (kinesin family member 7; minus strand). Cytogenetic location: 15q26.1.
Variant type: single nucleotide variant.
Coding change: c.1443+5C>T on transcript NM_198525.3 (MANE Select); 5 bases into the intron after coding-DNA position 1443, C replaced by T.
Molecular consequence: intron variant.
Genome position (GRCh38, 1-based): chr15:89,648,250, G>A on the plus strand (C>T on the coding strand, the complement: KIF7 is on the minus strand). VCF-style: chr15-89648250-G-A. GRCh37 (hg19) VCF-style: chr15-90191481-G-A.
Identifiers: ClinVar variation 1385511 (VCV001385511.8), dbSNP rs778312422, ClinGen allele CA7728575.
Genomic context (GRCh38, chr15:89,648,250, plus strand): 5'-CTCTTCCTTCCTCTCCACCACTCCCCACTGCCCACAACCACAACCACAACCTGTCCCTCG[G>A]CCACCTTTCGCCCGCCGGCCCCCTGCGCCGCCTGGTCCTCGACGGAGGCGCTCTCGATGC-3'